The following is an entry in ClinVar:

ClinVar aggregate classification (germline): Pathogenic (1 of 4 stars; one submission).

Submission:

GeneDx
Classification: Pathogenic. Last evaluated: 2016-03-06. Review status: criteria provided, single submitter. Criteria: GeneDx Variant Classification (06012015). Collection method: clinical testing. Allele origin: germline. Affected: yes.
Comment: The c.1504_1505delGA pathogenic variant in the FUS gene has not been reported previously as a pathogenic variant nor as a benign variant, to our knowledge. The c.1504_1505delGA variant causes a frameshift starting with codon Aspartic acid 502, changes this amino acid to a Glutamine residue, and creates a premature Stop codon at position 14 of the new reading frame, denoted p.Asp502GlnfsX14. This variant is predicted to cause loss of normal protein function through protein truncation. The c.1504_1505delGA variant was not observed in approximately 6,300 individuals of European and African American ancestry in the NHLBI Exome Sequencing Project, indicating it is not a common benign variant in these populations. We interpret c.1504_1505delGA as a pathogenic variant.

NM_004960.4(FUS):c.1504_1505del (p.Asp502fs)

Gene: FUS (FUS RNA binding protein; plus strand). Cytogenetic location: 16p11.2.
Variant type: Deletion.
Coding change: c.1504_1505del on transcript NM_004960.4 (MANE Select); coding-DNA positions 1504 to 1505, 2 bases deleted (GA; older notation c.1504_1505delGA).
Protein change: p.Asp502fs; shifts the reading frame from aspartic acid 502.
Molecular consequence: frameshift variant. On other transcripts: non-coding transcript variant (1).
Genome position (GRCh38, 1-based): chr16:31,191,073-31,191,074, GA deleted. VCF-style (leftmost placement, unchanged base first): chr16-31191072-GGA-G. GRCh37 (hg19) VCF-style: chr16-31202393-GGA-G.
Other names: c.1501_1502del, p.Asp501fs (NM_001170634.1); c.1492_1493del, p.Asp498fs (NM_001170937.1); c.1504_1505delGA (NM_004960.3); short protein forms D501fs, D502fs, D498fs.
Identifiers: ClinVar variation 280356 (VCV000280356.2), dbSNP rs886041577, ClinGen allele CA10603525.